The following is an entry in ClinVar:

NM_002474.3(MYH11):c.5355T>C (p.Ser1785=)

Genes: NDE1 (nudE neurodevelopment protein 1; plus strand), MYH11 (myosin heavy chain 11; minus strand). Cytogenetic location: 16p13.11.
Variant type: single nucleotide variant.
Coding change: c.5355T>C on transcript NM_002474.3 (MANE Select); coding-DNA position 5355, T replaced by C.
Protein change: p.Ser1785=; no amino-acid change (serine 1785 retained).
Molecular consequence: synonymous variant. On other transcripts: intron variant (2).
Genome position (GRCh38, 1-based): chr16:15,717,289, A>G on the plus strand (T>C on the coding strand, the complement: MYH11 is on the minus strand). VCF-style: chr16-15717289-A-G. GRCh37 (hg19) VCF-style: chr16-15811146-A-G.
Other names: c.5376T>C, p.Ser1792= (NM_001040113.2, NM_001040114.2); c.5355T>C, p.Ser1785= (NM_022844.3); c.948-6902A>G (NM_001143979.2, NM_017668.3).
Identifiers: ClinVar variation 2742513 (VCV002742513.4), dbSNP rs1318110642, ClinGen allele CA494087713.

ClinVar aggregate classification (germline): Likely benign. Review status: criteria provided, multiple submitters, no conflicts (2 of 4 stars). 2 submissions from 2 submitters: Likely benign (2). Last evaluated 2024-03-29.

Conditions:
Familial thoracic aortic aneurysm and aortic dissection (TAAD). Also called: Thoracic aortic aneurysms and dissections. Identifiers: Orphanet 91387, MedGen C4707243, MONDO:0019625.
Aortic aneurysm, familial thoracic 4 (AAT4). Also called: AORTIC ANEURYSM/AORTIC DISSECTION AND PATENT DUCTUS ARTERIOSUS. Identifiers: MedGen C1851504, MONDO:0007568, OMIM 132900.

Allele frequency attached by ClinVar (database versions not stated): gnomAD exomes below 0.00001.
gnomAD v4.1: 1 of 1,613,128 alleles (0.000062%); highest among the groups gnomAD compares: Non-Finnish European, 0.000085%; no homozygotes.

Submissions (2):

Labcorp Genetics (formerly Invitae), Labcorp
Classification: Likely benign for Aortic aneurysm, familial thoracic 4. Last evaluated: 2024-03-29. Review status: criteria provided, single submitter. Criteria: Invitae Variant Classification Sherloc (09022015). Collection method: clinical testing. Allele origin: germline.

All of Us Research Program, National Institutes of Health
Classification: Likely benign for Familial thoracic aortic aneurysm and aortic dissection. Last evaluated: 2023-06-08. Review status: criteria provided, single submitter. Criteria: ACMG Guidelines, 2015. Collection method: clinical testing. Allele origin: germline. Inheritance: Autosomal dominant inheritance. Observed: 2 variant alleles, 2 heterozygotes.
Comment: This study involves interpretation of variants in research participants for the purpose of population health screening. Participant phenotype was not available at the time of variant classification. Additional details can be found in publication PMID: 35346344, PMCID: PMC8962531